The following is an entry in ClinVar:

ClinVar aggregate classification (germline): Uncertain significance. Review status: criteria provided, multiple submitters, no conflicts (2 of 4 stars). 2 submissions from 2 submitters: Uncertain significance (2). Last evaluated 2021-10-20.

Conditions:
X-linked Emery-Dreifuss muscular dystrophy. Also called: Muscular dystrophy, tardive Emery-Dreifuss type, with contractures. Identifiers: Orphanet 261, Orphanet 98863, MedGen C0751337, MONDO:0010680.

Allele frequency attached by ClinVar (database versions not stated): ExAC 0.00001; gnomAD exomes 0.00001.

Submissions (2):

Labcorp Genetics (formerly Invitae), Labcorp
Classification: Uncertain significance for X-linked Emery-Dreifuss muscular dystrophy. Last evaluated: 2021-10-20. Review status: criteria provided, single submitter. Criteria: Invitae Variant Classification Sherloc (09022015). Collection method: clinical testing. Allele origin: germline.
Comment: This variant is present in population databases (rs782193940, ExAC 0.02%). In summary, the available evidence is currently insufficient to determine the role of this variant in disease. Therefore, it has been classified as a Variant of Uncertain Significance. Algorithms developed to predict the effect of missense changes on protein structure and function are either unavailable or do not agree on the potential impact of this missense change (SIFT: "Deleterious"; PolyPhen-2: "Benign"; Align-GVGD: "Class C15"). This variant has not been reported in the literature in individuals with EMD-related conditions. This sequence change replaces arginine with cysteine at codon 211 of the EMD protein (p.Arg211Cys). The arginine residue is weakly conserved and there is a large physicochemical difference between arginine and cysteine.

Fulgent Genetics
Classification: Uncertain significance for Emery-Dreifuss muscular dystrophy 1, X-linked. Last evaluated: 2021-10-01. Review status: criteria provided, single submitter. Criteria: ACMG Guidelines, 2015. Collection method: clinical testing. Allele origin: unknown.

NM_000117.3(EMD):c.631C>T (p.Arg211Cys)

Gene: EMD (emerin; plus strand). Cytogenetic location: Xq28.
Variant type: single nucleotide variant.
Coding change: c.631C>T on transcript NM_000117.3 (MANE Select); coding-DNA position 631, C replaced by T.
Protein change: p.Arg211Cys; replaces arginine 211 with cysteine.
Molecular consequence: missense variant.
Genome position (GRCh38, 1-based): chrX:154,381,063, C>T. VCF-style: chrX-154381063-C-T. GRCh37 (hg19) VCF-style: chrX-153609423-C-T.
Other names: short protein forms R211C.
Identifiers: ClinVar variation 1512845 (VCV001512845.5), dbSNP rs782193940, ClinGen allele CA10561652.